The following is an entry in ClinVar:

NM_005236.3(ERCC4):c.1210C>T (p.Pro404Ser)

Gene: ERCC4 (ERCC excision repair 4, endonuclease catalytic subunit; plus strand). Cytogenetic location: 16p13.12.
Variant type: single nucleotide variant.
Coding change: c.1210C>T on transcript NM_005236.3 (MANE Select); coding-DNA position 1210, C replaced by T.
Protein change: p.Pro404Ser; replaces proline 404 with serine.
Molecular consequence: missense variant.
Genome position (GRCh38, 1-based): chr16:13,934,299, C>T. VCF-style: chr16-13934299-C-T. GRCh37 (hg19) VCF-style: chr16-14028156-C-T.
Other names: short protein forms P404S.
Identifiers: ClinVar variation 1376507 (VCV001376507.7), dbSNP rs767454772, ClinGen allele CA7910414.

ClinVar aggregate classification (germline): Uncertain significance. Review status: criteria provided, multiple submitters, no conflicts (2 of 4 stars). 2 submissions from 2 submitters: Uncertain significance (2). Last evaluated 2025-02-25.

Conditions:
Cockayne syndrome. Identifiers: Orphanet 191, MedGen C0009207, MONDO:0016006.
Xeroderma pigmentosum, group F (XPF). Also called: ERCC4-Related Xeroderma Pigmentosum; XERODERMA PIGMENTOSUM, COMPLEMENTATION GROUP F; XERODERMA PIGMENTOSUM VI; XP, GROUP F; XERODERMA PIGMENTOSUM, TYPE F; Xeroderma pigmentosum, type 6. Identifiers: MedGen C0268140, MONDO:0010215, OMIM 278760.
Fanconi anemia complementation group Q. Identifiers: Orphanet 84, MedGen C3808988, MONDO:0014108, OMIM 615272.
XFE progeroid syndrome (XFEPS). Also called: XPF-ERCC1 PROGEROID SYNDROME. Identifiers: MedGen C1970416, MONDO:0012590, OMIM 610965.

Allele frequency attached by ClinVar (database versions not stated): gnomAD exomes below 0.00001; gnomAD 0.00001; TOPMed below 0.00001; ExAC 0.00001.

Submissions (2):

Labcorp Genetics (formerly Invitae), Labcorp
Classification: Uncertain significance for Fanconi anemia complementation group Q; Xeroderma pigmentosum, group F; Cockayne syndrome. Last evaluated: 2025-02-25. Review status: criteria provided, single submitter. Criteria: Invitae Variant Classification Sherloc (09022015). Collection method: clinical testing. Allele origin: germline.
Comment: This sequence change replaces proline, which is neutral and non-polar, with serine, which is neutral and polar, at codon 404 of the ERCC4 protein (p.Pro404Ser). The frequency data for this variant in the population databases is considered unreliable, as metrics indicate poor data quality at this position in the gnomAD database. This variant has not been reported in the literature in individuals affected with ERCC4-related conditions. ClinVar contains an entry for this variant (Variation ID: 1376507). Invitae Evidence Modeling of protein sequence and biophysical properties (such as structural, functional, and spatial information, amino acid conservation, physicochemical variation, residue mobility, and thermodynamic stability) indicates that this missense variant is not expected to disrupt ERCC4 protein function with a negative predictive value of 80%. In summary, the available evidence is currently insufficient to determine the role of this variant in disease. Therefore, it has been classified as a Variant of Uncertain Significance.

Fulgent Genetics
Classification: Uncertain significance for Xeroderma pigmentosum, group F; XFE progeroid syndrome; Fanconi anemia complementation group Q. Last evaluated: 2024-05-14. Review status: criteria provided, single submitter. Criteria: ACMG Guidelines, 2015. Collection method: clinical testing. Allele origin: germline.